The following is an entry in ClinVar:

ClinVar aggregate classification (germline): Pathogenic/Likely pathogenic. Review status: criteria provided, multiple submitters, no conflicts (2 of 4 stars). 2 submissions from 2 submitters: Pathogenic (1); Likely pathogenic (1). Last evaluated 2025-09-09.

Conditions:
Inborn genetic diseases. Identifiers: MedGen C0950123, MeSH D030342.
MHC class II deficiency. Also called: Bare lymphocyte syndrome 2; BLS, TYPE II. Identifiers: Orphanet 572, MedGen C5447452, MONDO:0008855.

Allele frequency attached by ClinVar (database versions not stated): gnomAD exomes 0.00001; gnomAD 0.00001.

Submissions (2):

Labcorp Genetics (formerly Invitae), Labcorp
Classification: Likely pathogenic for MHC class II deficiency. Last evaluated: 2025-09-09. Review status: criteria provided, single submitter. Criteria: Invitae Variant Classification Sherloc (09022015). Collection method: clinical testing. Allele origin: germline.
Comment: This sequence change affects a donor splice site in intron 6 of the RFXANK gene. It is expected to disrupt RNA splicing. Variants that disrupt the donor or acceptor splice site typically lead to a loss of protein function (PMID: 16199547), and loss-of-function variants in RFXANK are known to be pathogenic (PMID: 10803838, 16166641, 21908431). This variant is present in population databases (no rsID available, gnomAD 0.003%). Disruption of this splice site has been observed in individual(s) with primary immunodeficiency (PMID: 32135276). ClinVar contains an entry for this variant (Variation ID: 224982). Algorithms developed to predict the effect of sequence changes on RNA splicing suggest that this variant may disrupt the consensus splice site. In summary, the currently available evidence indicates that the variant is pathogenic, but additional data are needed to prove that conclusively. Therefore, this variant has been classified as Likely Pathogenic.

Ambry Genetics
Classification: Pathogenic for Inborn genetic diseases. Last evaluated: 2013-05-24. Review status: criteria provided, single submitter. Criteria: Ambry Autosomal Dominant and X-Linked criteria (10/2015). Collection method: clinical testing. Allele origin: germline. Observed: 1 variant allele.
Comment: Based on data from the NHLBI Exome Sequencing Project (ESP), no alterations were observed among 6,503 individuals tested (0.0%). Allele frequency data for this nucleotide position not currently available from the 1000 Genomes Project and the alteration is not currently listed in the Database of Single Nucleotide Polymorphisms (dbSNP).The c.438+1G nucleotide amino acid is highly conserved among throughout vertebrates.The c.438+1G>T mutation is in intron 6 of the RFXANK gene and results from a G to T substitution at nucleotide position 438+1. Alterations that disrupt the canonical splice donor site are typically deleterious in nature (Richards, 2008).

Literature cited by the submitters: PubMed 16199547 (cited by Labcorp Genetics (formerly Invitae), Labcorp); PubMed 10803838 (cited by Labcorp Genetics (formerly Invitae), Labcorp); PubMed 16166641 (cited by Labcorp Genetics (formerly Invitae), Labcorp); PubMed 21908431 (cited by Labcorp Genetics (formerly Invitae), Labcorp); PubMed 32135276 (cited by Labcorp Genetics (formerly Invitae), Labcorp).

NM_003721.4(RFXANK):c.438+1G>T

Gene: RFXANK (regulatory factor X associated ankyrin containing protein; plus strand). Cytogenetic location: 19p13.11.
Variant type: single nucleotide variant.
Coding change: c.438+1G>T on transcript NM_003721.4 (MANE Select); the canonical splice donor site of the intron after coding-DNA position 438, G replaced by T.
Molecular consequence: splice donor variant.
Genome position (GRCh38, 1-based): chr19:19,197,622, G>T. VCF-style: chr19-19197622-G-T. GRCh37 (hg19) VCF-style: chr19-19308431-G-T.
Other names: c.372+1G>T (NM_001278727.2, NM_001370234.1); c.369+1G>T (NM_134440.3, NM_001278728.2); c.435+1G>T (NM_001370235.1, NM_001370237.1, NM_001370236.1); c.438+1G>T (NM_001370238.1, NM_001370233.1).
Identifiers: ClinVar variation 224982 (VCV000224982.5), dbSNP rs869312922, ClinGen allele CA358094.